The following is an entry in ClinVar:

NM_002473.6(MYH9):c.4775G>A (p.Arg1592Gln)

Gene: MYH9 (myosin heavy chain 9; minus strand). Cytogenetic location: 22q12.3.
Variant type: single nucleotide variant.
Coding change: c.4775G>A on transcript NM_002473.6 (MANE Select); coding-DNA position 4775, G replaced by A.
Protein change: p.Arg1592Gln; replaces arginine 1592 with glutamine.
Molecular consequence: missense variant.
Genome position (GRCh38, 1-based): chr22:36,288,409, C>T on the plus strand (G>A on the coding strand, the complement: MYH9 is on the minus strand). VCF-style: chr22-36288409-C-T. GRCh37 (hg19) VCF-style: chr22-36684455-C-T.
Other names: short protein forms R1592Q.
Identifiers: ClinVar variation 3003358 (VCV003003358.17), dbSNP rs1387108152, ClinGen allele CA411376922.

ClinVar aggregate classification (germline): Conflicting classifications of pathogenicity. Review status: criteria provided, conflicting classifications (1 of 4 stars). 3 submissions from 3 submitters: Uncertain significance (2); Likely benign (1). Last evaluated 2025-07-02.

Allele frequency attached by ClinVar (database versions not stated): gnomAD exomes below 0.00001.

Submissions (3):

Labcorp Genetics (formerly Invitae), Labcorp
Classification: Uncertain significance. Last evaluated: 2025-07-02. Review status: criteria provided, single submitter. Criteria: Invitae Variant Classification Sherloc (09022015). Collection method: clinical testing. Allele origin: germline.
Comment: This sequence change replaces arginine, which is basic and polar, with glutamine, which is neutral and polar, at codon 1592 of the MYH9 protein (p.Arg1592Gln). This variant is not present in population databases (gnomAD no frequency). This missense change has been observed in individual(s) with clinical features of neurodevelopmental disorders (PMID: 33004838). ClinVar contains an entry for this variant (Variation ID: 3003358). Invitae Evidence Modeling of protein sequence and biophysical properties (such as structural, functional, and spatial information, amino acid conservation, physicochemical variation, residue mobility, and thermodynamic stability) has been performed for this missense variant. However, the output from this modeling did not meet the statistical confidence thresholds required to predict the impact of this variant on MYH9 protein function. In summary, the available evidence is currently insufficient to determine the role of this variant in disease. Therefore, it has been classified as a Variant of Uncertain Significance.

CeGaT Center for Human Genetics Tuebingen
Classification: Likely benign. Last evaluated: 2025-01-01. Review status: criteria provided, single submitter. Criteria: CeGaT Center For Human Genetics Tuebingen Variant Classification Criteria Version 2. Collection method: clinical testing. Allele origin: germline. Affected: yes. Observed: 1 variant allele.
Comment: MYH9: BP4

Blueprint Genetics
Classification: Uncertain significance. Last evaluated: 2023-08-25. Review status: criteria provided, single submitter. Criteria: ACMG Guidelines, 2015. Collection method: clinical testing. Allele origin: germline.

Literature cited by the submitters: PubMed 33004838 (cited by Labcorp Genetics (formerly Invitae), Labcorp).